The following is an entry in ClinVar:

ClinVar aggregate classification (germline): Uncertain significance (1 of 4 stars; one submission).

Conditions:
Long QT syndrome 6 (LQT6). Identifiers: Orphanet 101016, Orphanet 768, MedGen C3150953, MONDO:0013370, OMIM 613693.

Submission:

Labcorp Genetics (formerly Invitae), Labcorp
Classification: Uncertain significance for Long QT syndrome 6. Last evaluated: 2018-04-25. Review status: criteria provided, single submitter. Criteria: Invitae Variant Classification Sherloc (09022015). Collection method: clinical testing. Allele origin: germline.
Comment: A gross deletion of the genomic region encompassing the full coding sequence of the KCNE2 gene has been identified. The boundaries of this event are unknown as the deletion extends beyond the assayed region for this gene and therefore may encompass additional genes. Deletions confined to KCNE2 have not been reported in the literature in individuals with a KCNE2-related disease. Contiguous gene deletions that include the KCNE2 gene have been reported in individuals with a syndromic form ofÂ¬â€ familial platelet disorder (FPD)Â¬â€ with predisposition toÂ¬â€ acute myeloid leukemia (AML)Â¬â€ that may include intellectual disability, variable developmental delays, congenital anomalies, and/or growth restriction (PMID: 21626672,Â¬â€ 19679353, 18478040). The current clinical and genetic evidence is not sufficient to establish whether loss-of-function variants in KCNE2 cause disease. In summary, the available evidence is currently insufficient to determine the role of this variant in disease. Therefore, it has been classified as a Variant of Uncertain Significance.

Literature cited by the submitters: PubMed 21626672.

NC_000021.8:g.(?_35742772)_(36421202_?)del

Genes: SMIM11 (small integral membrane protein 11; plus strand), KCNE1 (potassium voltage-gated channel subfamily E regulatory subunit 1; minus strand), RUNX1 (RUNX family transcription factor 1; minus strand), KCNE2 (potassium voltage-gated channel subfamily E regulatory subunit 2; plus strand), RCAN1 (regulator of calcineurin 1; minus strand) and 1 more. Cytogenetic location: 21q22.11-22.12.
Variant type: Deletion.
Identifiers: ClinVar variation 584413 (VCV000584413.1).